The following is an entry in ClinVar:

NM_015175.3(NBEAL2):c.1725_1728dup (p.Ala577fs)

Gene: NBEAL2 (neurobeachin like 2; plus strand). Cytogenetic location: 3p21.31.
Variant type: Duplication.
Coding change: c.1725_1728dup on transcript NM_015175.3 (MANE Select); coding-DNA positions 1725 to 1728, 4 bases duplicated (ACGT; older notation c.1725_1728dupACGT).
Protein change: p.Ala577fs; shifts the reading frame from alanine 577.
Molecular consequence: frameshift variant.
Genome position (GRCh38, 1-based): chr3:46,995,460-46,995,463, ACGT duplicated. VCF-style (leftmost placement, unchanged base first): chr3-46995459-C-CACGT. GRCh37 (hg19) VCF-style: chr3-47036949-C-CACGT.
Other names: c.1623_1626dup, p.Ala543fs (NM_001365116.2); short protein forms A543fs, A577fs.
Identifiers: ClinVar variation 982270 (VCV000982270.1), dbSNP rs2036418481, ClinGen allele CA1139658049.

ClinVar aggregate classification (germline): Pathogenic (1 of 4 stars; one submission).

Conditions:
Gray platelet syndrome (GPS). Also called: BLEEDING DISORDER, PLATELET-TYPE, 4. Identifiers: Orphanet 721, MedGen C0272302, MONDO:0007686, OMIM 139090.

Submission:

NIHR Bioresource Rare Diseases, University of Cambridge
Classification: Pathogenic for Gray platelet syndrome. Last evaluated: 2020-03-01. Review status: criteria provided, single submitter. Criteria: ACMG Guidelines, 2015. Collection method: research. Allele origin: unknown. Inheritance: Autosomal recessive inheritance. Affected: yes. Observed: 1 homozygote.
Comment: ACMG criteria: PVS1, PM2, PM3, PP4

Literature cited by the submitters: PubMed 32693407.